The following is an entry in ClinVar:

NM_001003800.2(BICD2):c.2458G>C (p.Ala820Pro)

Gene: BICD2 (BICD cargo adaptor 2; minus strand). Cytogenetic location: 9q22.31.
Variant type: single nucleotide variant.
Coding change: c.2458G>C on transcript NM_001003800.2 (MANE Select); coding-DNA position 2458, G replaced by C.
Protein change: p.Ala820Pro; replaces alanine 820 with proline.
Molecular consequence: missense variant.
Genome position (GRCh38, 1-based): chr9:92,715,264, C>G on the plus strand (G>C on the coding strand, the complement: BICD2 is on the minus strand). VCF-style: chr9-92715264-C-G. GRCh37 (hg19) VCF-style: chr9-95477546-C-G.
Other names: c.2458G>C, p.Ala820Pro (NM_015250.4); short protein forms A820P.
Identifiers: ClinVar variation 4811191 (VCV004811191.1).

ClinVar aggregate classification (germline): Uncertain significance (1 of 4 stars; one submission).

Conditions:
Autosomal dominant childhood-onset proximal spinal muscular atrophy with contractures (SMALED2A). Also called: Spinal muscular atrophy, lower extremity-predominant, 2A, autosomal dominant; SPINAL MUSCULAR ATROPHY, LOWER EXTREMITY-PREDOMINANT, 2A, CHILDHOOD ONSET, AUTOSOMAL DOMINANT. Identifiers: Orphanet 363447, Orphanet 363454, MedGen C4747715, MONDO:0014121, OMIM 615290.

gnomAD v4.1: 1 of 1,613,054 alleles (0.000062%); highest among the groups gnomAD compares: Non-Finnish European, 0.000085%; no homozygotes.

Submission:

Labcorp Genetics (formerly Invitae), Labcorp
Classification: Uncertain significance for Autosomal dominant childhood-onset proximal spinal muscular atrophy with contractures. Last evaluated: 2026-01-08. Review status: criteria provided, single submitter. Criteria: Invitae Variant Classification Sherloc (09022015). Collection method: clinical testing. Allele origin: germline.
Comment: This sequence change replaces alanine, which is neutral and non-polar, with proline, which is neutral and non-polar, at codon 820 of the BICD2 protein (p.Ala820Pro). This variant is not present in population databases (gnomAD no frequency). This variant has not been reported in the literature in individuals affected with BICD2-related conditions. Invitae Evidence Modeling of protein sequence and biophysical properties (such as structural, functional, and spatial information, amino acid conservation, physicochemical variation, residue mobility, and thermodynamic stability) indicates that this missense variant is not expected to disrupt BICD2 protein function with a negative predictive value of 80%. In summary, the available evidence is currently insufficient to determine the role of this variant in disease. Therefore, it has been classified as a Variant of Uncertain Significance.